The following is an entry in ClinVar:

NM_000535.7(PMS2):c.1742A>T (p.Lys581Ile)

Gene: PMS2 (PMS1 homolog 2, mismatch repair system component; minus strand). Cytogenetic location: 7p22.1.
Variant type: single nucleotide variant.
Coding change: c.1742A>T on transcript NM_000535.7 (MANE Select); coding-DNA position 1742, A replaced by T.
Protein change: p.Lys581Ile; replaces lysine 581 with isoleucine.
Molecular consequence: missense variant. On other transcripts: non-coding transcript variant (1).
Genome position (GRCh38, 1-based): chr7:5,987,023, T>A on the plus strand (A>T on the coding strand, the complement: PMS2 is on the minus strand). VCF-style: chr7-5987023-T-A. GRCh37 (hg19) VCF-style: chr7-6026654-T-A.
Other names: c.1337A>T, p.Lys446Ile (NM_001322003.2, NM_001322004.2, NM_001322005.2 and 1 more transcripts); c.1586A>T, p.Lys529Ile (NM_001322006.2); c.1424A>T, p.Lys475Ile (NM_001322007.2, NM_001322008.2); c.1181A>T, p.Lys394Ile (NM_001322010.2); c.809A>T, p.Lys270Ile (NM_001322011.2, NM_001322012.2); c.1169A>T, p.Lys390Ile (NM_001322013.2); c.1742A>T, p.Lys581Ile (NM_001322014.2); c.1433A>T, p.Lys478Ile (NM_001322015.2); short protein forms K581I, K390I, K394I, K446I, K475I, K270I, K478I, K529I.
Identifiers: ClinVar variation 455670 (VCV000455670.8), dbSNP rs1554297289, ClinGen allele CA366740078.

ClinVar aggregate classification (germline): Uncertain significance (1 of 4 stars; one submission).

Conditions:
Hereditary nonpolyposis colorectal neoplasms. Identifiers: MedGen C0009405, MeSH D003123.

Submission:

Labcorp Genetics (formerly Invitae), Labcorp
Classification: Uncertain significance for Hereditary nonpolyposis colorectal neoplasms. Last evaluated: 2017-03-02. Review status: criteria provided, single submitter. Criteria: Invitae Variant Classification Sherloc (09022015). Collection method: clinical testing. Allele origin: germline.
Comment: This variant is not present in population databases (ExAC no frequency) and has not been reported in the literature in individuals with a PMS2-related disease. In summary, this variant is a novel missense change that is not predicted to affect protein function. There is no indication that it causes disease, but the available evidence is currently insufficient to prove that conclusively. Therefore, it has been classified as a Variant of Uncertain Significance. Algorithms developed to predict the effect of missense changes on protein structure and function output the following: SIFT: "Tolerated"; PolyPhen-2: "Benign"; Align-GVGD: "Class C0". The isoleucine amino acid residue is found in multiple mammalian species, suggesting that this missense change does not adversely affect protein function. These predictions have not been confirmed by published functional studies. This sequence change replaces lysine with isoleucine at codon 581 of the PMS2 protein (p.Lys581Ile). The lysine residue is weakly conserved and there is a moderate physicochemical difference between lysine and isoleucine.